The following is an entry in ClinVar:

ClinVar aggregate classification (germline): Benign (1 of 4 stars; one submission).

Allele frequency attached by ClinVar (database versions not stated): gnomAD 0.10507 and 0.10858; 1000 Genomes Project 0.11262; TOPMed 0.11335; 1000 Genomes Project 30x 0.11758.
gnomAD v4.1: 15,801 of 151,234 alleles (10%); highest among the groups gnomAD compares: African/African-American, 25%; 1,504 homozygotes.

Submission:

GeneDx
Classification: Benign. Last evaluated: 2018-06-18. Review status: criteria provided, single submitter. Criteria: GeneDx Variant Classification (06012015). Collection method: clinical testing. Allele origin: germline. Affected: yes.
Comment: This variant is considered likely benign or benign based on one or more of the following criteria: it is a conservative change, it occurs at a poorly conserved position in the protein, it is predicted to be benign by multiple in silico algorithms, and/or has population frequency not consistent with disease.

NM_170707.4(LMNA):c.357-4760T>C

Gene: LMNA (lamin A/C; plus strand). Cytogenetic location: 1q22.
Variant type: single nucleotide variant.
Coding change: c.357-4760T>C on transcript NM_170707.4 (MANE Select); 4760 bases into the intron before coding-DNA position 357, T replaced by C.
Molecular consequence: intron variant.
Genome position (GRCh38, 1-based): chr1:156,125,857, T>C. VCF-style: chr1-156125857-T-C. GRCh37 (hg19) VCF-style: chr1-156095648-T-C.
Other names: c.357-4760T>C (NM_001282625.2, NM_001282626.2, NM_170708.4 and 1 more transcripts).
Identifiers: ClinVar variation 668922 (VCV000668922.1), dbSNP rs2485675, ClinGen allele CA10816025.